The following is an entry in ClinVar:

NM_000069.3(CACNA1S):c.2396C>T (p.Thr799Ile)

Gene: CACNA1S (calcium voltage-gated channel subunit alpha1 S; minus strand). Cytogenetic location: 1q32.1.
Variant type: single nucleotide variant.
Coding change: c.2396C>T on transcript NM_000069.3 (MANE Select); coding-DNA position 2396, C replaced by T.
Protein change: p.Thr799Ile; replaces threonine 799 with isoleucine.
Molecular consequence: missense variant.
Genome position (GRCh38, 1-based): chr1:201,069,566, G>A on the plus strand (C>T on the coding strand, the complement: CACNA1S is on the minus strand). VCF-style: chr1-201069566-G-A. GRCh37 (hg19) VCF-style: chr1-201038694-G-A.
Other names: short protein forms T799I.
Identifiers: ClinVar variation 3386350 (VCV003386350.1).
Genomic context (GRCh38, chr1:201,069,566, plus strand): 5'-TCCGCAGCCAGTGCAGCGCTGCTGAGCAGGATGAAGAGCAGGATGAAGTTGGTAAACCAG[G>A]TGGCATTGACGATGCGGTGACACAGGACACGGATCCTGGTGGGGCGAGGTAGGGAGGGCA-3'
Protein context (NP_000060.2, residues 789-809): RVLCHRIVNA[Thr799Ile]WFTNFILLFI

ClinVar aggregate classification (germline): Uncertain significance (1 of 4 stars; one submission).

Conditions:
Malignant hyperthermia, susceptibility to, 5 (MHS5). Also called: CACNA1S-Related Malignant Hyperthermia Susceptibility. Identifiers: Orphanet 423, MedGen C1866077, MONDO:0011163, OMIM 601887.

Submission:

All of Us Research Program, National Institutes of Health
Classification: Uncertain significance for Malignant hyperthermia, susceptibility to, 5. Last evaluated: 2024-09-23. Review status: criteria provided, single submitter. Criteria: ACMG Guidelines, 2015. Collection method: clinical testing. Allele origin: germline. Inheritance: Autosomal dominant inheritance. Observed: 1 variant allele, 1 heterozygote.
Comment: This study involves interpretation of variants in research participants for the purpose of population health screening. Participant phenotype was not available at the time of variant classification. Additional details can be found in publication PMID: 35346344, PMCID: PMC8962531